The following is an entry in ClinVar:

ClinVar aggregate classification (germline): Uncertain significance (1 of 4 stars; one submission).

Conditions:
Cataract 6 multiple types. Also called: CATARACT 6, POSTERIOR POLAR; CATARACT 6, CONGENITAL TOTAL; CATARACT, AGE-RELATED CORTICAL, 2. Identifiers: Orphanet 91492, MedGen C1861825, MONDO:0007288, OMIM 116600.

gnomAD v4.1: 32 of 1,550,580 alleles (0.0021%); highest among the groups gnomAD compares: African/African-American, 0.023%; no homozygotes.

Submission:

Labcorp Genetics (formerly Invitae), Labcorp
Classification: Uncertain significance for Cataract 6 multiple types. Last evaluated: 2024-08-13. Review status: criteria provided, single submitter. Criteria: Invitae Variant Classification Sherloc (09022015). Collection method: clinical testing. Allele origin: germline.
Comment: This sequence change replaces arginine, which is basic and polar, with cysteine, which is neutral and slightly polar, at codon 566 of the EPHA2 protein (p.Arg566Cys). This variant is present in population databases (rs564478428, gnomAD 0.04%). This variant has not been reported in the literature in individuals affected with EPHA2-related conditions. Advanced modeling of protein sequence and biophysical properties (such as structural, functional, and spatial information, amino acid conservation, physicochemical variation, residue mobility, and thermodynamic stability) performed at Invitae indicates that this missense variant is expected to disrupt EPHA2 protein function with a positive predictive value of 80%. In summary, the available evidence is currently insufficient to determine the role of this variant in disease. Therefore, it has been classified as a Variant of Uncertain Significance.

NM_004431.5(EPHA2):c.1696C>T (p.Arg566Cys)

Gene: EPHA2 (EPH receptor A2; minus strand). Cytogenetic location: 1p36.13.
Variant type: single nucleotide variant.
Coding change: c.1696C>T on transcript NM_004431.5 (MANE Select); coding-DNA position 1696, C replaced by T.
Protein change: p.Arg566Cys; replaces arginine 566 with cysteine.
Molecular consequence: missense variant.
Genome position (GRCh38, 1-based): chr1:16,133,902, G>A on the plus strand (C>T on the coding strand, the complement: EPHA2 is on the minus strand). VCF-style: chr1-16133902-G-A. GRCh37 (hg19) VCF-style: chr1-16460397-G-A.
Other names: c.1534C>T, p.Arg512Cys (NM_001329090.2); short protein forms R512C, R566C.
Identifiers: ClinVar variation 3710780 (VCV003710780.2).